The following is an entry in ClinVar:

ClinVar aggregate classification (germline): Likely pathogenic (1 of 4 stars; one submission).

Submission:

Genetic Services Laboratory, University of Chicago
Classification: Likely pathogenic. Last evaluated: 2023-10-17. Review status: criteria provided, single submitter. Criteria: ACMG Guidelines, 2015. Collection method: clinical testing. Allele origin: germline. Affected: yes.
Comment: DNA sequence analysis of the PKD1 gene demonstrated a sequence change in exon 13 involving deletion of the sequence between c.3145 and c.3148 and insertion of 18 base pairs, c.3145_3148delinsTTCCTGTGAGTGACTCAC. This likely pathogenic sequence change results in an amino acid frameshift and creates a premature stop codon 3 amino acids downstream of the change, p.Val1049Phefs*3. This pathogenic sequence change is predicted to result in an abnormal transcript, which may be degraded, or may lead to the production of a truncated PKD1 protein with potentially abnormal function. The c.3145_3148delinsTTCCTGTGAGTGACTCAC sequence change has not been described in the population databases such as ExAC and gnomAD. While this sequence change has not previously been described in the literature, other deletions and duplications in the PKD1 gene have been described in several individuals with PKD1-related disorders [PMID: 27499327, 26453610, 23985799, 33454723]. Collectively, this evidence indicates that this sequence change is likely pathogenic, however functional studies have not been performed to prove this conclusively.

NM_001009944.3(PKD1):c.3145_3148delinsTTCCTGTGAGTGACTCAC (p.Val1049_Glu1050delinsPheLeuTer)

Gene: PKD1 (polycystin 1, transient receptor potential channel interacting; minus strand). Cytogenetic location: 16p13.3.
Variant type: Indel.
Coding change: c.3145_3148delinsTTCCTGTGAGTGACTCAC on transcript NM_001009944.3 (MANE Select); coding-DNA positions 3145 to 3148, GTGG replaced by TTCCTGTGAGTGACTCAC.
Protein change: p.Val1049_Glu1050delinsPheLeuTer.
Molecular consequence: nonsense. On other transcripts: frameshift variant (1).
Genome position (GRCh38, 1-based): chr16:2,112,801-2,112,804, CCAC replaced by GTGAGTCACTCACAGGAA on the plus strand (GTGG replaced by TTCCTGTGAGTGACTCAC on the coding strand, the reverse complement: PKD1 is on the minus strand). VCF-style: chr16-2112801-CCAC-GTGAGTCACTCACAGGAA. GRCh37 (hg19) VCF-style: chr16-2162802-CCAC-GTGAGTCACTCACAGGAA.
Other names: c.3145_3148delinsTTCCTGTGAGTGACTCAC, p.Val1049_Glu1050delinsPheLeuTer (NM_000296.4); c.3145_3148delGTGGinsTTCCTGTGAGTGACTCAC, p.Val1049Phefs (NM_001009944.2).
Identifiers: ClinVar variation 4082485 (VCV004082485.2).